The following is an entry in ClinVar:

ClinVar aggregate classification (germline): Pathogenic (1 of 4 stars; one submission).

Conditions:
Arrhythmogenic right ventricular dysplasia 9 (ARVD9). Also called: Arrhythmogenic Right Ventricular Dysplasia/Cardiomyopathy 9; ARRHYTHMOGENIC RIGHT VENTRICULAR DYSPLASIA, FAMILIAL, 9. Identifiers: MedGen C1836906, MONDO:0012180, OMIM 609040.

Submission:

Labcorp Genetics (formerly Invitae), Labcorp
Classification: Pathogenic for Arrhythmogenic right ventricular dysplasia 9. Last evaluated: 2023-10-06. Review status: criteria provided, single submitter. Criteria: Invitae Variant Classification Sherloc (09022015). Collection method: clinical testing. Allele origin: germline.
Comment: This variant is a gross deletion of the genomic region encompassing exon(s) 5 of the PKP2 gene. This deletion is out-of-frame, and is expected to create a premature termination codon and result in an absent or disrupted protein product. Loss-of-function variants in PKP2 are known to be pathogenic (PMID: 15489853, 23911551). This variant has not been reported in the literature in individuals affected with PKP2-related conditions. For these reasons, this variant has been classified as Pathogenic.

Literature cited by the submitters: PubMed 15489853; PubMed 23911551.

NC_000012.11:g.(?_33003680)_(33003927_?)del

Gene: PKP2 (plakophilin 2; minus strand). Cytogenetic location: 12p11.21.
Variant type: Deletion.
Identifiers: ClinVar variation 1455995 (VCV001455995.7).